The following is an entry in ClinVar:

NM_016169.4(SUFU):c.888G>C (p.Gln296His)

Gene: SUFU (SUFU negative regulator of hedgehog signaling; plus strand). Cytogenetic location: 10q24.32.
Variant type: single nucleotide variant.
Coding change: c.888G>C on transcript NM_016169.4 (MANE Select); coding-DNA position 888, G replaced by C.
Protein change: p.Gln296His; replaces glutamine 296 with histidine.
Molecular consequence: missense variant.
Genome position (GRCh38, 1-based): chr10:102,597,271, G>C. VCF-style: chr10-102597271-G-C. GRCh37 (hg19) VCF-style: chr10-104357028-G-C.
Other names: c.888G>C, p.Gln296His (NM_001178133.2); short protein forms Q296H.
Identifiers: ClinVar variation 3963876 (VCV003963876.1).

ClinVar aggregate classification (germline): Uncertain significance (1 of 4 stars; one submission).

Conditions:
Hereditary cancer-predisposing syndrome. Also called: Tumor predisposition; Hereditary neoplastic syndrome; Hereditary Cancer Syndrome; Neoplastic Syndromes, Hereditary. Identifiers: Orphanet 140162, MedGen C0027672, MeSH D009386, MONDO:0015356.

Submission:

Ambry Genetics
Classification: Uncertain significance for Hereditary cancer-predisposing syndrome. Last evaluated: 2025-06-13. Review status: criteria provided, single submitter. Criteria: Ambry Variant Classification Scheme 2023. Collection method: clinical testing. Allele origin: germline.
Comment: The p.Q296H variant (also known as c.888G>C), located in coding exon 7 of the SUFU gene, results from a G to C substitution at nucleotide position 888. The glutamine at codon 296 is replaced by histidine, an amino acid with highly similar properties. This amino acid position is conserved. In addition, this alteration is predicted to be tolerated by in silico analysis. Based on the available evidence, the clinical significance of this variant remains unclear.